The following is an entry in ClinVar:

NM_004320.6(ATP2A1):c.2574C>G (p.Tyr858Ter)

Gene: ATP2A1 (ATPase sarcoplasmic/endoplasmic reticulum Ca2+ transporting 1; plus strand). Cytogenetic location: 16p11.2.
Variant type: single nucleotide variant.
Coding change: c.2574C>G on transcript NM_004320.6 (MANE Select); coding-DNA position 2574, C replaced by G.
Protein change: p.Tyr858Ter; replaces tyrosine 858 with a stop codon.
Molecular consequence: nonsense.
Genome position (GRCh38, 1-based): chr16:28,902,629, C>G. VCF-style: chr16-28902629-C-G. GRCh37 (hg19) VCF-style: chr16-28913950-C-G.
Other names: c.2199C>G, p.Tyr733Ter (NM_001286075.2); c.2574C>G, p.Tyr858Ter (NM_173201.5); short protein forms Y733*, Y858*.
Identifiers: ClinVar variation 1323799 (VCV001323799.5), dbSNP rs368234110, ClinGen allele CA395414815.
Genomic context (GRCh38, chr16:28,902,629, plus strand): 5'-CTCCACCACAGGCTATGTGGGTGCAGCCACCGTGGGAGCAGCTGCCTGGTGGTTCCTGTA[C>G]GCTGAGGATGGGCCTCATGTCAACTACAGCCAGCTGGTAGGGGGAGGCCACAAAGGAGGG-3'

ClinVar aggregate classification (germline): Pathogenic. Review status: criteria provided, multiple submitters, no conflicts (2 of 4 stars). 2 submissions from 2 submitters: Pathogenic (2). Last evaluated 2025-12-03.

Conditions:
Brody myopathy. Also called: BRODY DISEASE. Identifiers: Orphanet 53347, MedGen C1832918, MONDO:0010977, OMIM 601003.

gnomAD v4.1: 41 of 1,614,064 alleles (0.0025%); highest among the groups gnomAD compares: Non-Finnish European, 0.0033%; no homozygotes.

Submissions (2):

Labcorp Genetics (formerly Invitae), Labcorp
Classification: Pathogenic for Brody myopathy. Last evaluated: 2025-12-03. Review status: criteria provided, single submitter. Criteria: Invitae Variant Classification Sherloc (09022015). Collection method: clinical testing. Allele origin: germline.
Comment: This sequence change creates a premature translational stop signal (p.Tyr858*) in the ATP2A1 gene. It is expected to result in an absent or disrupted protein product. Loss-of-function variants in ATP2A1 are known to be pathogenic (PMID: 8841193, 10914677, 23911890). This variant is not present in population databases (gnomAD no frequency). This variant has not been reported in the literature in individuals affected with ATP2A1-related conditions. ClinVar contains an entry for this variant (Variation ID: 1323799). Algorithms developed to predict the effect of sequence changes on RNA splicing suggest that this variant may disrupt the consensus splice site. For these reasons, this variant has been classified as Pathogenic.

Revvity Omics, Revvity
Classification: Pathogenic for Brody myopathy. Last evaluated: 2020-03-26. Review status: criteria provided, single submitter. Criteria: ACMG Guidelines, 2015. Collection method: clinical testing. Allele origin: germline.

Literature cited by the submitters: PubMed 8841193 (cited by Labcorp Genetics (formerly Invitae), Labcorp); PubMed 10914677 (cited by Labcorp Genetics (formerly Invitae), Labcorp); PubMed 23911890 (cited by Labcorp Genetics (formerly Invitae), Labcorp).